The following is an entry in ClinVar:

NM_017986.4(SLC52A1):c.1187C>A (p.Ala396Glu)

Gene: SLC52A1 (solute carrier family 52 member 1; minus strand). Cytogenetic location: 17p13.2.
Variant type: single nucleotide variant.
Coding change: c.1187C>A on transcript NM_017986.4 (MANE Select); coding-DNA position 1187, C replaced by A.
Protein change: p.Ala396Glu; replaces alanine 396 with glutamic acid.
Molecular consequence: missense variant.
Genome position (GRCh38, 1-based): chr17:5,033,117, G>T on the plus strand (C>A on the coding strand, the complement: SLC52A1 is on the minus strand). VCF-style: chr17-5033117-G-T. GRCh37 (hg19) VCF-style: chr17-4936412-G-T.
Other names: c.1187C>A, p.Ala396Glu (NM_001104577.2); short protein forms A396E.
Identifiers: ClinVar variation 1396831 (VCV001396831.6), dbSNP rs2143425497, ClinGen allele CA397325313.
Genomic context (GRCh38, chr17:5,033,117, plus strand): 5'-TGGATGGCCACACCAGCTGCCAGCAATGCCGGCCGACCCCCACCATGCAGCAGGGAGCTT[G>T]CAGCCACCTTCACATATGAGAACACACACAGACACAGCACCCACGACAGCACCTGCAAGG-3'
Protein context (NP_060456.3, residues 386-406): LCVFSYVKVA[Ala396Glu]SSLLHGGGRP

ClinVar aggregate classification (germline): Uncertain significance (1 of 4 stars; one submission).

Conditions:
Vitamin B2 deficiency. Identifiers: MedGen C0035528.

gnomAD v4.1: 2 of 1,613,788 alleles (0.00012%); highest among the groups gnomAD compares: Non-Finnish European, 0.00017%; no homozygotes.

Submission:

Labcorp Genetics (formerly Invitae), Labcorp
Classification: Uncertain significance for Vitamin B2 deficiency. Last evaluated: 2021-12-12. Review status: criteria provided, single submitter. Criteria: Invitae Variant Classification Sherloc (09022015). Collection method: clinical testing. Allele origin: germline.
Comment: In summary, the available evidence is currently insufficient to determine the role of this variant in disease. Therefore, it has been classified as a Variant of Uncertain Significance. Algorithms developed to predict the effect of missense changes on protein structure and function (SIFT, PolyPhen-2, Align-GVGD) all suggest that this variant is likely to be tolerated. This variant has not been reported in the literature in individuals affected with SLC52A1-related conditions. This variant is not present in population databases (gnomAD no frequency). This sequence change replaces alanine, which is neutral and non-polar, with glutamic acid, which is acidic and polar, at codon 396 of the SLC52A1 protein (p.Ala396Glu).